The following is an entry in ClinVar:

ClinVar aggregate classification (germline): Pathogenic (1 of 4 stars; one submission).

Conditions:
Global developmental delay with or without impaired intellectual development. Identifiers: MedGen C5193032, MONDO:0032680, OMIM 618330.

Submission:

New York Genome Center
Classification: Pathogenic for Global developmental delay with or without impaired intellectual development. Last evaluated: 2020-11-12. Review status: criteria provided, single submitter. Criteria: NYGC Assertion Criteria 2020. Collection method: clinical testing. Allele origin: de novo. Observed: 1 heterozygote. Study: CSER-NYCKidSeq.
Comment: The de novo c.1834C>T, p.Gln612Ter nonsense heterozygous variant identified in CUX1 has not been reported in the literature. This variant is not reported in the gnomAD database, indicating this is a rare allele and predicted to cause loss of normal protein function through protein truncation or nonsense-mediated mRNA decay [PMID: 18000842]. Based on the available evidence, the variant c.1834C>T, p.Gln612Ter in the CUX1 gene is classified as pathogenic.

NM_181552.4(CUX1):c.1834C>T (p.Gln612Ter)

Gene: CUX1 (cut like homeobox 1; plus strand). Cytogenetic location: 7q22.1.
Variant type: single nucleotide variant.
Coding change: c.1834C>T on transcript NM_181552.4 (MANE Select); coding-DNA position 1834, C replaced by T.
Protein change: p.Gln612Ter; replaces glutamine 612 with a stop codon.
Molecular consequence: nonsense. On other transcripts: intron variant (5).
Genome position (GRCh38, 1-based): chr7:102,197,245, C>T. VCF-style: chr7-102197245-C-T. GRCh37 (hg19) VCF-style: chr7-101840525-C-T.
Other names: c.1867C>T, p.Gln623Ter (NM_001202543.2); c.1255+1642C>T (NM_001913.5); c.1249+1642C>T (NM_181500.4); c.1117+1642C>T (NM_001202545.3); c.1207+1642C>T (NM_001202544.3); c.1138+1642C>T (NM_001202546.3); short protein forms Q612*, Q623*.
Identifiers: ClinVar variation 1213753 (VCV001213753.1), dbSNP rs2131985466, ClinGen allele CA368675609.
Genomic context (GRCh38, chr7:102,197,245, plus strand): 5'-CGGCCCAAGCCATGGAATAAACTGACTGTTCGTGGCAAGGAGCCATTTCACAAGATGAAA[C>T]AGTTCCTCTCCGATGAGCAGAACATCCTGGCCCTCCGTAGCATCCAAGGCAGACAAAGAG-3'